The following is an entry in ClinVar:

NM_004608.4(TBX6):c.37G>A (p.Ala13Thr)

Gene: TBX6 (T-box transcription factor 6; minus strand). Cytogenetic location: 16p11.2.
Variant type: single nucleotide variant.
Coding change: c.37G>A on transcript NM_004608.4 (MANE Select); coding-DNA position 37, G replaced by A.
Protein change: p.Ala13Thr; replaces alanine 13 with threonine.
Molecular consequence: missense variant.
Genome position (GRCh38, 1-based): chr16:30,091,157, C>T on the plus strand (G>A on the coding strand, the complement: TBX6 is on the minus strand). VCF-style: chr16-30091157-C-T. GRCh37 (hg19) VCF-style: chr16-30102478-C-T.
Other names: short protein forms A13T.
Identifiers: ClinVar variation 1497896 (VCV001497896.8), dbSNP rs776865383, ClinGen allele CA8002034.

ClinVar aggregate classification (germline): Uncertain significance (1 of 4 stars; one submission).

Allele frequency attached by ClinVar (database versions not stated): gnomAD 0.00003 and 0.00005; gnomAD exomes 0.00003 and 0.00006; TOPMed 0.00005; ExAC 0.00006.
gnomAD v4.1: 21 of 1,592,896 alleles (0.0013%); highest among the groups gnomAD compares: Admixed American, 0.036%; no homozygotes.

Submission:

Labcorp Genetics (formerly Invitae), Labcorp
Classification: Uncertain significance. Last evaluated: 2026-01-05. Review status: criteria provided, single submitter. Criteria: Invitae Variant Classification Sherloc (09022015). Collection method: clinical testing. Allele origin: germline.
Comment: This sequence change replaces alanine, which is neutral and non-polar, with threonine, which is neutral and polar, at codon 13 of the TBX6 protein (p.Ala13Thr). This variant is present in population databases (rs776865383, gnomAD 0.04%). This variant has not been reported in the literature in individuals affected with TBX6-related conditions. ClinVar contains an entry for this variant (Variation ID: 1497896). An algorithm developed to predict the effect of missense changes on protein structure and function outputs the following: PolyPhen-2: "Benign". The threonine amino acid residue is found in multiple mammalian species, which suggests that this missense change does not adversely affect protein function. In summary, the available evidence is currently insufficient to determine the role of this variant in disease. Therefore, it has been classified as a Variant of Uncertain Significance.